The following is an entry in ClinVar:

ClinVar aggregate classification (germline): Uncertain significance (1 of 4 stars; one submission).

Conditions:
Nemaline myopathy 2 (NEM2). Also called: Nemaline myopathy 2, autosomal recessive. Identifiers: MedGen C1850569, MONDO:0009725, OMIM 256030.

Allele frequency attached by ClinVar (database versions not stated): gnomAD exomes below 0.00001.
gnomAD v4.1: 3 of 1,613,362 alleles (0.00019%); highest among the groups gnomAD compares: Non-Finnish European, 0.00025%; no homozygotes.

Submission:

Labcorp Genetics (formerly Invitae), Labcorp
Classification: Uncertain significance for Nemaline myopathy 2. Last evaluated: 2021-08-24. Review status: criteria provided, single submitter. Criteria: Invitae Variant Classification Sherloc (09022015). Collection method: clinical testing. Allele origin: germline.
Comment: This sequence change replaces proline with alanine at codon 5966 of the NEB protein (p.Pro5966Ala). The proline residue is moderately conserved and there is a small physicochemical difference between proline and alanine. This variant is not present in population databases (ExAC no frequency). This variant has not been reported in the literature in individuals affected with NEB-related conditions. Algorithms developed to predict the effect of missense changes on protein structure and function are either unavailable or do not agree on the potential impact of this missense change (SIFT: "Deleterious"; PolyPhen-2: "Not Available"; Align-GVGD: "Class C0"). In summary, the available evidence is currently insufficient to determine the role of this variant in disease. Therefore, it has been classified as a Variant of Uncertain Significance.

NM_001164508.2(NEB):c.17896C>G (p.Pro5966Ala)

Gene: NEB (nebulin; minus strand). Cytogenetic location: 2q23.3.
Variant type: single nucleotide variant.
Coding change: c.17896C>G on transcript NM_001164508.2 (MANE Select); coding-DNA position 17896, C replaced by G.
Protein change: p.Pro5966Ala; replaces proline 5966 with alanine.
Molecular consequence: missense variant.
Genome position (GRCh38, 1-based): chr2:151,567,428, G>C on the plus strand (C>G on the coding strand, the complement: NEB is on the minus strand). VCF-style: chr2-151567428-G-C. GRCh37 (hg19) VCF-style: chr2-152423942-G-C.
Other names: c.17896C>G, p.Pro5966Ala (NM_001164507.2, NM_001271208.2); c.12793C>G, p.Pro4265Ala (NM_004543.5); short protein forms P4265A, P5966A.
Identifiers: ClinVar variation 945651 (VCV000945651.7), dbSNP rs2096453351, ClinGen allele CA348803971.